The following is an entry in ClinVar:

ClinVar aggregate classification (germline): Uncertain significance. Review status: criteria provided, multiple submitters, no conflicts (2 of 4 stars). 2 submissions from 2 submitters: Uncertain significance (2). Last evaluated 2025-06-06.

Conditions:
Hereditary cancer-predisposing syndrome. Also called: Tumor predisposition; Hereditary neoplastic syndrome; Hereditary Cancer Syndrome; Neoplastic Syndromes, Hereditary. Identifiers: Orphanet 140162, MedGen C0027672, MeSH D009386, MONDO:0015356.
Haddad syndrome (OHD). Also called: Ondine-Hirschsprung disease. Identifiers: Orphanet 99803, MedGen C1859049, MONDO:0020493.

Submissions (2):

Ambry Genetics
Classification: Uncertain significance for Hereditary cancer-predisposing syndrome. Last evaluated: 2025-06-06. Review status: criteria provided, single submitter. Criteria: Ambry Variant Classification Scheme 2023. Collection method: clinical testing. Allele origin: germline.
Comment: The p.D193E variant (also known as c.579C>G), located in coding exon 3 of the PHOX2B gene, results from a C to G substitution at nucleotide position 579. The aspartic acid at codon 193 is replaced by glutamic acid, an amino acid with highly similar properties. This amino acid position is well conserved in available vertebrate species. In addition, this alteration is predicted to be tolerated by in silico analysis. Based on the available evidence, the clinical significance of this variant remains unclear.

Labcorp Genetics (formerly Invitae), Labcorp
Classification: Uncertain significance for Haddad syndrome. Last evaluated: 2022-06-20. Review status: criteria provided, single submitter. Criteria: Invitae Variant Classification Sherloc (09022015). Collection method: clinical testing. Allele origin: germline.
Comment: This sequence change replaces aspartic acid, which is acidic and polar, with glutamic acid, which is acidic and polar, at codon 193 of the PHOX2B protein (p.Asp193Glu). This variant is not present in population databases (gnomAD no frequency). This variant has not been reported in the literature in individuals affected with PHOX2B-related conditions. ClinVar contains an entry for this variant (Variation ID: 1053463). Algorithms developed to predict the effect of missense changes on protein structure and function are either unavailable or do not agree on the potential impact of this missense change (SIFT: "Deleterious"; PolyPhen-2: "Not Available"; Align-GVGD: "Class C0"). In summary, the available evidence is currently insufficient to determine the role of this variant in disease. Therefore, it has been classified as a Variant of Uncertain Significance.

NM_003924.4(PHOX2B):c.579C>G (p.Asp193Glu)

Gene: PHOX2B (paired like homeobox 2B; minus strand). Cytogenetic location: 4p13.
Variant type: single nucleotide variant.
Coding change: c.579C>G on transcript NM_003924.4 (MANE Select); coding-DNA position 579, C replaced by G.
Protein change: p.Asp193Glu; replaces aspartic acid 193 with glutamic acid.
Molecular consequence: missense variant.
Genome position (GRCh38, 1-based): chr4:41,746,173, G>C on the plus strand (C>G on the coding strand, the complement: PHOX2B is on the minus strand). VCF-style: chr4-41746173-G-C. GRCh37 (hg19) VCF-style: chr4-41748190-G-C.
Other names: short protein forms D193E.
Identifiers: ClinVar variation 1053463 (VCV001053463.13), dbSNP rs1733892452, ClinGen allele CA356737913.